The following is an entry in ClinVar:

NM_052947.4(ALPK2):c.6023T>G (p.Val2008Gly)

Gene: ALPK2 (alpha kinase 2; minus strand). Cytogenetic location: 18q21.31.
Variant type: single nucleotide variant.
Coding change: c.6023T>G on transcript NM_052947.4 (MANE Select); coding-DNA position 6023, T replaced by G.
Protein change: p.Val2008Gly; replaces valine 2008 with glycine.
Molecular consequence: missense variant.
Genome position (GRCh38, 1-based): chr18:58,514,999, A>C on the plus strand (T>G on the coding strand, the complement: ALPK2 is on the minus strand). VCF-style: chr18-58514999-A-C. GRCh37 (hg19) VCF-style: chr18-56182231-A-C.
Other names: short protein forms V2008G.
Identifiers: ClinVar variation 1751140 (VCV001751140.3), dbSNP rs1223433068, ClinGen allele CA402546155.

ClinVar aggregate classification (germline): Uncertain significance (1 of 4 stars; one submission).

Allele frequency attached by ClinVar (database versions not stated): gnomAD exomes below 0.00001.
gnomAD v4.1: 1 of 1,611,852 alleles (0.000062%); highest among the groups gnomAD compares: South Asian, 0.0011%; no homozygotes.

Submission:

Ambry Genetics
Classification: Uncertain significance. Last evaluated: 2024-04-22. Review status: criteria provided, single submitter. Criteria: Ambry Variant Classification Scheme 2023. Collection method: clinical testing. Allele origin: germline.
Comment: The p.V2008G variant (also known as c.6023T>G), located in coding exon 9 of the ALPK2 gene, results from a T to G substitution at nucleotide position 6023. The valine at codon 2008 is replaced by glycine, an amino acid with dissimilar properties. This amino acid position is conserved. In addition, this alteration is predicted to be tolerated by in silico analysis. Since supporting evidence is limited at this time, the clinical significance of this alteration remains unclear.